The following is an entry in ClinVar:

ClinVar aggregate classification (germline): Uncertain significance (1 of 4 stars; one submission).

Conditions:
Inborn genetic diseases. Identifiers: MedGen C0950123, MeSH D030342.

Allele frequency attached by ClinVar (database versions not stated): gnomAD exomes below 0.00001.
gnomAD v4.1: 3 of 1,612,192 alleles (0.00019%); highest among the groups gnomAD compares: Admixed American, 0.0017%; no homozygotes.

Submission:

Ambry Genetics
Classification: Uncertain significance for Inborn genetic diseases. Last evaluated: 2023-05-21. Review status: criteria provided, single submitter. Criteria: Ambry Variant Classification Scheme 2023. Collection method: clinical testing. Allele origin: germline.
Comment: The p.S1120L variant (also known as c.3359C>T), located in coding exon 25 of the LRRK2 gene, results from a C to T substitution at nucleotide position 3359. The serine at codon 1120 is replaced by leucine, an amino acid with dissimilar properties. This amino acid position is conserved. In addition, this alteration is predicted to be tolerated by in silico analysis. Since supporting evidence is limited at this time, the clinical significance of this alteration remains unclear.

NM_198578.4(LRRK2):c.3359C>T (p.Ser1120Leu)

Gene: LRRK2 (leucine rich repeat kinase 2; plus strand). Cytogenetic location: 12q12.
Variant type: single nucleotide variant.
Coding change: c.3359C>T on transcript NM_198578.4 (MANE Select); coding-DNA position 3359, C replaced by T.
Protein change: p.Ser1120Leu; replaces serine 1120 with leucine.
Molecular consequence: missense variant.
Genome position (GRCh38, 1-based): chr12:40,299,120, C>T. VCF-style: chr12-40299120-C-T. GRCh37 (hg19) VCF-style: chr12-40692922-C-T.
Other names: short protein forms S1120L.
Identifiers: ClinVar variation 2562447 (VCV002562447.2), dbSNP rs1410756602, ClinGen allele CA384415483.